The following is an entry in ClinVar:

ClinVar aggregate classification (germline): Likely benign (1 of 4 stars; one submission).

Submission:

GeneDx
Classification: Likely benign. Last evaluated: 2017-02-02. Review status: criteria provided, single submitter. Criteria: GeneDx Variant Classification (06012015). Collection method: clinical testing. Allele origin: germline. Affected: yes.
Comment: This variant is considered likely benign or benign based on one or more of the following criteria: it is a conservative change, it occurs at a poorly conserved position in the protein, it is predicted to be benign by multiple in silico algorithms, and/or has population frequency not consistent with disease.

NM_001330078.2(NRXN1):c.3168T>G (p.Val1056=)

Gene: NRXN1 (neurexin 1; minus strand). Cytogenetic location: 2p16.3.
Variant type: single nucleotide variant.
Coding change: c.3168T>G on transcript NM_001330078.2 (MANE Select); coding-DNA position 3168, T replaced by G.
Protein change: p.Val1056=; no amino-acid change (valine 1056 retained).
Molecular consequence: synonymous variant.
Genome position (GRCh38, 1-based): chr2:50,472,374, A>C on the plus strand (T>G on the coding strand, the complement: NRXN1 is on the minus strand). VCF-style: chr2-50472374-A-C. GRCh37 (hg19) VCF-style: chr2-50699512-A-C.
Other names: c.3288T>G, p.Val1096= (NM_001135659.3); c.3144T>G, p.Val1048= (NM_001330077.2, NM_001330082.2); c.3102T>G, p.Val1034= (NM_001330083.2, NM_001330084.2); c.3141T>G, p.Val1047= (NM_001330085.2); c.3168T>G, p.Val1056= (NM_001330086.2, NM_004801.6); c.3057T>G, p.Val1019= (NM_001330087.2, NM_001330096.2); c.3087T>G, p.Val1029= (NM_001330088.2); c.3165T>G, p.Val1055= (NM_001330093.2); and 2 more.
Identifiers: ClinVar variation 507248 (VCV000507248.1), dbSNP rs1553656429, ClinGen allele CA426022851.